The following is an entry in ClinVar:

ClinVar aggregate classification (germline): Likely benign (1 of 4 stars; one submission).

Conditions:
GPC4-related disorder. Also called: GPC4-related condition.

gnomAD v4.1: 1 of 1,190,214 alleles (0.000084%); highest among the groups gnomAD compares: Non-Finnish European, 0.00011%; no homozygotes.

Submission:

PreventionGenetics, part of Exact Sciences
Classification: Likely benign for GPC4-related condition. Last evaluated: 2025-06-16. Review status: criteria provided, single submitter. Criteria: ACMG Guidelines, 2015. Collection method: clinical testing. Allele origin: germline.
Comment: This variant is classified as likely benign based on ACMG/AMP sequence variant interpretation guidelines (Richards et al. 2015 PMID: 25741868, with internal and published modifications).

NM_001448.3(GPC4):c.711+4A>G

Gene: GPC4 (glypican 4; minus strand). Cytogenetic location: Xq26.2.
Variant type: single nucleotide variant.
Coding change: c.711+4A>G on transcript NM_001448.3 (MANE Select); 4 bases into the intron after coding-DNA position 711, A replaced by G.
Molecular consequence: intron variant.
Genome position (GRCh38, 1-based): chrX:133,324,141, T>C on the plus strand (A>G on the coding strand, the complement: GPC4 is on the minus strand). VCF-style: chrX-133324141-T-C. GRCh37 (hg19) VCF-style: chrX-132458169-T-C.
Identifiers: ClinVar variation 4986051 (VCV004986051.1).
Genomic context (GRCh38, chrX:133,324,141, plus strand): 5'-AACATTCTTTTAACATGAAAGAAAACAAAACAAAAACAAAACAGAGAAGACAAGGAGTAC[T>C]TACCACGGAGACCTTGCTCACGACATCTCCCGCAACCGCTAAGCCTTGAGCGAAAGTACG-3'